The following is an entry in ClinVar:

NM_001267550.2(TTN):c.105241G>A (p.Glu35081Lys)

Genes: TTN (titin; minus strand), TTN-AS1 (TTN antisense RNA 1; plus strand). Cytogenetic location: 2q31.2.
Variant type: single nucleotide variant.
Coding change: c.105241G>A on transcript NM_001267550.2 (MANE Select); coding-DNA position 105241, G replaced by A.
Protein change: p.Glu35081Lys; replaces glutamic acid 35081 with lysine.
Molecular consequence: missense variant.
Genome position (GRCh38, 1-based): chr2:178,531,374, C>T on the plus strand (G>A on the coding strand, the complement: TTN is on the minus strand). VCF-style: chr2-178531374-C-T. GRCh37 (hg19) VCF-style: chr2-179396101-C-T.
Other names: c.100318G>A, p.Glu33440Lys (NM_001256850.1); c.78046G>A, p.Glu26016Lys (NM_003319.4); c.97537G>A, p.Glu32513Lys (NM_133378.4); c.78421G>A, p.Glu26141Lys (NM_133432.3); c.78622G>A, p.Glu26208Lys (NM_133437.4); short protein forms E32513K, E26016K, E33440K, E35081K, E26208K, E26141K.
Identifiers: ClinVar variation 847301 (VCV000847301.16), dbSNP rs779952686, ClinGen allele CA1985287.

ClinVar aggregate classification (germline): Conflicting classifications of pathogenicity. Review status: criteria provided, conflicting classifications (1 of 4 stars). 5 submissions from 5 submitters: Uncertain significance (3); Likely benign (1). 1 of the submissions does not count toward it. Last evaluated 2025-02-03.

Conditions:
TTN-related disorder. Also called: TTN-related disorders; TTN-related condition; TTN-related disease.
Autosomal recessive limb-girdle muscular dystrophy type 2J (LGMDR10). Also called: MUSCULAR DYSTROPHY, LIMB-GIRDLE, AUTOSOMAL RECESSIVE 10; Limb-girdle muscular dystrophy, type 2J. Identifiers: Orphanet 140922, MedGen C1837342, MONDO:0012127, OMIM 608807.
Dilated cardiomyopathy 1G (CMD1G). Identifiers: Orphanet 154, MedGen C1858763, MONDO:0011400, OMIM 604145.
Cardiomyopathy (CMYO). Also called: Cardiomyopathies. Identifiers: Orphanet 167848, MedGen C0878544, MONDO:0004994, HP:0001638. Inheritance: Various modes of inheritance.

Allele frequency attached by ClinVar (database versions not stated): gnomAD exomes below 0.00001 and 0.00002; ExAC 0.00002; TOPMed 0.00002.
gnomAD v4.1: 8 of 1,613,908 alleles (0.0005%); highest among the groups gnomAD compares: East Asian, 0.013%; no homozygotes.

Submissions (5):

Women's Health and Genetics/Laboratory Corporation of America, LabCorp
Classification: Uncertain significance. Last evaluated: 2025-02-03. Review status: criteria provided, single submitter. Criteria: LabCorp Variant Classification Summary - May 2015. Collection method: clinical testing. Allele origin: germline.
Comment: Variant summary: TTN c.97537G>A (p.Glu32513Lys) results in a conservative amino acid change in the encoded protein sequence. Two of four in-silico tools predict a benign effect of the variant on protein function. The variant allele was found at a frequency of 1.6e-05 in 248954 control chromosomes. The available data on variant occurrences in the general population are insufficient to allow any conclusion about variant significance. To our knowledge, no occurrence of c.97537G>A in individuals affected with TTN-related conditions and no experimental evidence demonstrating its impact on protein function have been reported. ClinVar contains an entry for this variant (Variation ID: 847301). Based on the evidence outlined above, the variant was classified as uncertain significance.

Blueprint Genetics
Classification: Likely benign. Last evaluated: 2024-07-25. Review status: criteria provided, single submitter. Criteria: ACMG Guidelines, 2015. Collection method: clinical testing. Allele origin: germline.

Labcorp Genetics (formerly Invitae), Labcorp
Classification: Uncertain significance for Dilated cardiomyopathy 1G; Autosomal recessive limb-girdle muscular dystrophy type 2J. Last evaluated: 2022-04-06. Review status: criteria provided, single submitter. Criteria: Invitae Variant Classification Sherloc (09022015). Collection method: clinical testing. Allele origin: germline.
Comment: This sequence change replaces glutamic acid, which is acidic and polar, with lysine, which is basic and polar, at codon 35081 of the TTN protein (p.Glu35081Lys). This variant is present in population databases (rs779952686, gnomAD 0.02%). This variant has not been reported in the literature in individuals affected with TTN-related conditions. ClinVar contains an entry for this variant (Variation ID: 847301). Experimental studies and prediction algorithms are not available or were not evaluated, and the functional significance of this variant is currently unknown. This variant is located in the M band of TTN (PMID: 25589632). Variants in this region may be relevant for neuromuscular disorders, but have not been definitively shown to cause cardiomyopathy (PMID: 23975875). In summary, the available evidence is currently insufficient to determine the role of this variant in disease. Therefore, it has been classified as a Variant of Uncertain Significance.

CHEO Genetics Diagnostic Laboratory, Children's Hospital of Eastern Ontario
Classification: Uncertain significance for Cardiomyopathy. Last evaluated: 2020-10-16. Review status: criteria provided, single submitter. Criteria: ACMG Guidelines, 2015. Collection method: clinical testing. Allele origin: germline.

PreventionGenetics, part of Exact Sciences
Classification: Uncertain significance for TTN-related condition. Last evaluated: 2024-08-27. Review status: no assertion criteria provided. Collection method: clinical testing. Allele origin: germline. Not counted in ClinVar's aggregate classification.
Comment: The TTN c.105241G>A variant is predicted to result in the amino acid substitution p.Glu35081Lys. To our knowledge, this variant has not been reported in the literature. This variant is reported in 0.022% of alleles in individuals of East Asian descent in gnomAD. At this time, the clinical significance of this variant is uncertain due to the absence of conclusive functional and genetic evidence.

Literature cited by the submitters: PubMed 25589632 (cited by Labcorp Genetics (formerly Invitae), Labcorp); PubMed 23975875 (cited by Labcorp Genetics (formerly Invitae), Labcorp).